The following is an entry in ClinVar:

NM_000301.5(PLG):c.2068A>G (p.Asn690Asp)

Gene: PLG (plasminogen; plus strand). Cytogenetic location: 6q26.
Variant type: single nucleotide variant.
Coding change: c.2068A>G on transcript NM_000301.5 (MANE Select); coding-DNA position 2068, A replaced by G.
Protein change: p.Asn690Asp; replaces asparagine 690 with aspartic acid.
Molecular consequence: missense variant.
Genome position (GRCh38, 1-based): chr6:160,741,360, A>G. VCF-style: chr6-160741360-A-G. GRCh37 (hg19) VCF-style: chr6-161162392-A-G.
Other names: short protein forms N690D.
Identifiers: ClinVar variation 2168556 (VCV002168556.5), dbSNP rs762765275, ClinGen allele CA4087978.
Genomic context (GRCh38, chr6:160,741,360, plus strand): 5'-TTTTCTTTCAGTCCTGCCGTCATCACTGACAAAGTAATCCCAGCTTGTCTGCCATCCCCA[A>G]ATTATGTGGTCGCTGACCGGACCGAATGTTTCATCACTGGCTGGGGAGAAACCCAAGGTG-3'
Protein context (NP_000292.1, residues 680-700): KVIPACLPSP[Asn690Asp]YVVADRTECF

ClinVar aggregate classification (germline): Uncertain significance. Review status: criteria provided, multiple submitters, no conflicts (2 of 4 stars). 2 submissions from 2 submitters: Uncertain significance (2). Last evaluated 2022-07-26.

Conditions:
Inborn genetic diseases. Identifiers: MedGen C0950123, MeSH D030342.

Allele frequency attached by ClinVar (database versions not stated): ExAC 0.00001; gnomAD exomes 0.00001.
gnomAD v4.1: 10 of 1,613,658 alleles (0.00062%); highest among the groups gnomAD compares: East Asian, 0.022%; no homozygotes.

Submissions (2):

Ambry Genetics
Classification: Uncertain significance for Inborn genetic diseases. Last evaluated: 2022-07-26. Review status: criteria provided, single submitter. Criteria: Ambry Variant Classification Scheme 2023. Collection method: clinical testing. Allele origin: germline.

Labcorp Genetics (formerly Invitae), Labcorp
Classification: Uncertain significance. Last evaluated: 2022-04-10. Review status: criteria provided, single submitter. Criteria: Invitae Variant Classification Sherloc (09022015). Collection method: clinical testing. Allele origin: germline.
Comment: In summary, the available evidence is currently insufficient to determine the role of this variant in disease. Therefore, it has been classified as a Variant of Uncertain Significance. Algorithms developed to predict the effect of sequence changes on RNA splicing suggest that this variant may create or strengthen a splice site. Algorithms developed to predict the effect of missense changes on protein structure and function output the following: SIFT: "Tolerated"; PolyPhen-2: "Benign"; Align-GVGD: "Class C0". The aspartic acid amino acid residue is found in multiple mammalian species, which suggests that this missense change does not adversely affect protein function. This variant has not been reported in the literature in individuals affected with PLG-related conditions. This variant is present in population databases (rs762765275, gnomAD 0.02%). This sequence change replaces asparagine, which is neutral and polar, with aspartic acid, which is acidic and polar, at codon 690 of the PLG protein (p.Asn690Asp).